The following is an entry in ClinVar:

NM_000090.4(COL3A1):c.776T>C (p.Phe259Ser)

Gene: COL3A1 (collagen type III alpha 1 chain; plus strand). Cytogenetic location: 2q32.2.
Variant type: single nucleotide variant.
Coding change: c.776T>C on transcript NM_000090.4 (MANE Select); coding-DNA position 776, T replaced by C.
Protein change: p.Phe259Ser; replaces phenylalanine 259 with serine.
Molecular consequence: missense variant.
Genome position (GRCh38, 1-based): chr2:188,990,338, T>C. VCF-style: chr2-188990338-T-C. GRCh37 (hg19) VCF-style: chr2-189855064-T-C.
Other names: short protein forms F259S.
Identifiers: ClinVar variation 928338 (VCV000928338.8), dbSNP rs1688161034, ClinGen allele CA349849208.

ClinVar aggregate classification (germline): Uncertain significance. Review status: criteria provided, multiple submitters, no conflicts (2 of 4 stars). 2 submissions from 2 submitters: Uncertain significance (2). Last evaluated 2025-01-30.

Conditions:
Ehlers-Danlos syndrome, type 4 (EDSVASC). Also called: Ehlers-Danlos syndrome vascular type; Ehlers Danlos syndrome, ecchymotic type; Ehlers Danlos syndrome, arterial type; Ehlers Danlos syndrome, Sack-Barabas type; Ehlers-Danlos Syndrome Type IV. Identifiers: Orphanet 286, MedGen C0268338, MONDO:0017314, OMIM 130050.
Familial thoracic aortic aneurysm and aortic dissection (TAAD). Also called: Thoracic aortic aneurysms and dissections. Identifiers: Orphanet 91387, MedGen C4707243, MONDO:0019625.

Allele frequency attached by ClinVar (database versions not stated): gnomAD 0.00001.
gnomAD v4.1: 1 of 1,613,136 alleles (0.000062%); highest among the groups gnomAD compares: Non-Finnish European, 0.000085%; no homozygotes.

Submissions (2):

Color Diagnostics, LLC DBA Color Health
Classification: Uncertain significance for Familial thoracic aortic aneurysm and aortic dissection. Last evaluated: 2025-01-30. Review status: criteria provided, single submitter. Criteria: ACMG Guidelines, 2015. Collection method: clinical testing. Allele origin: germline.
Comment: This missense variant replaces phenylalanine with serine at codon 259 of the COL3A1 protein. Computational prediction suggests that this variant may not impact protein structure and function. To our knowledge, functional studies have not been reported for this variant. This variant has not been reported in individuals affected with COL3A1-related disorders in the literature. This variant has not been identified in the general population by the Genome Aggregation Database (gnomAD). The available evidence is insufficient to determine the role of this variant in disease conclusively. Therefore, this variant is classified as a Variant of Uncertain Significance.

Labcorp Genetics (formerly Invitae), Labcorp
Classification: Uncertain significance for Ehlers-Danlos syndrome, type 4. Last evaluated: 2023-11-06. Review status: criteria provided, single submitter. Criteria: Invitae Variant Classification Sherloc (09022015). Collection method: clinical testing. Allele origin: germline.
Comment: This sequence change replaces phenylalanine, which is neutral and non-polar, with serine, which is neutral and polar, at codon 259 of the COL3A1 protein (p.Phe259Ser). This variant is not present in population databases (gnomAD no frequency). This variant has not been reported in the literature in individuals affected with COL3A1-related conditions. ClinVar contains an entry for this variant (Variation ID: 928338). Advanced modeling of protein sequence and biophysical properties (such as structural, functional, and spatial information, amino acid conservation, physicochemical variation, residue mobility, and thermodynamic stability) performed at Invitae indicates that this missense variant is not expected to disrupt COL3A1 protein function with a negative predictive value of 95%. In summary, the available evidence is currently insufficient to determine the role of this variant in disease. Therefore, it has been classified as a Variant of Uncertain Significance.